The following is an entry in ClinVar:

NM_004168.4(SDHA):c.899T>C (p.Ile300Thr)

Gene: SDHA (succinate dehydrogenase complex flavoprotein subunit A; plus strand). Cytogenetic location: 5p15.33.
Variant type: single nucleotide variant.
Coding change: c.899T>C on transcript NM_004168.4 (MANE Select); coding-DNA position 899, T replaced by C.
Protein change: p.Ile300Thr; replaces isoleucine 300 with threonine.
Molecular consequence: missense variant.
Genome position (GRCh38, 1-based): chr5:233,480, T>C. VCF-style: chr5-233480-T-C. GRCh37 (hg19) VCF-style: chr5-233595-T-C.
Other names: c.755T>C, p.Ile252Thr (NM_001294332.2); c.899T>C, p.Ile300Thr (NM_001330758.2); short protein forms I300T, I252T.
Identifiers: ClinVar variation 239684 (VCV000239684.17), dbSNP rs878854637, ClinGen allele CA10582423.

ClinVar aggregate classification (germline): Uncertain significance. Review status: criteria provided, multiple submitters, no conflicts (2 of 4 stars). 2 submissions from 2 submitters: Uncertain significance (2). Last evaluated 2025-06-07.

Conditions:
Mitochondrial complex II deficiency, nuclear type 1. Also called: SUCCINATE CoQ REDUCTASE DEFICIENCY. Identifiers: Orphanet 3208, MedGen C5700310, MONDO:0100294, OMIM 252011.
Pheochromocytoma/paraganglioma syndrome 5. Also called: Paragangliomas 5; SDHA-Related Hereditary Paraganglioma-Pheochromocytoma Syndrome. Identifiers: Orphanet 29072, MedGen C3279992, MONDO:0013602, OMIM 614165.
Hereditary cancer-predisposing syndrome. Also called: Hereditary Cancer Syndrome; Hereditary neoplastic syndrome; Neoplastic Syndromes, Hereditary; Tumor predisposition. Identifiers: Orphanet 140162, MedGen C0027672, MeSH D009386, MONDO:0015356.

gnomAD v4.1: 1 of 1,614,086 alleles (0.000062%); no homozygotes.

Submissions (2):

Labcorp Genetics (formerly Invitae), Labcorp
Classification: Uncertain significance for Pheochromocytoma/paraganglioma syndrome 5; Mitochondrial complex II deficiency, nuclear type 1. Last evaluated: 2025-06-07. Review status: criteria provided, single submitter. Criteria: Invitae Variant Classification Sherloc (09022015). Collection method: clinical testing. Allele origin: germline.
Comment: This sequence change replaces isoleucine, which is neutral and non-polar, with threonine, which is neutral and polar, at codon 300 of the SDHA protein (p.Ile300Thr). This variant is not present in population databases (gnomAD no frequency). This variant has not been reported in the literature in individuals affected with SDHA-related conditions. ClinVar contains an entry for this variant (Variation ID: 239684). Invitae Evidence Modeling of protein sequence and biophysical properties (such as structural, functional, and spatial information, amino acid conservation, physicochemical variation, residue mobility, and thermodynamic stability) has been performed for this missense variant. However, the output from this modeling did not meet the statistical confidence thresholds required to predict the impact of this variant on SDHA protein function. In summary, the available evidence is currently insufficient to determine the role of this variant in disease. Therefore, it has been classified as a Variant of Uncertain Significance.

Ambry Genetics
Classification: Uncertain significance for Hereditary cancer-predisposing syndrome. Last evaluated: 2025-06-04. Review status: criteria provided, single submitter. Criteria: Ambry Variant Classification Scheme 2023. Collection method: clinical testing. Allele origin: germline.
Comment: The p.I300T variant (also known as c.899T>C), located in coding exon 8 of the SDHA gene, results from a T to C substitution at nucleotide position 899. The isoleucine at codon 300 is replaced by threonine, an amino acid with similar properties. This amino acid position is highly conserved in available vertebrate species. In addition, this alteration is predicted to be deleterious by in silico analysis. Since supporting evidence is limited at this time, the clinical significance of this alteration remains unclear.